The following is an entry in ClinVar:

NM_030912.3(TRIM8):c.670A>G (p.Lys224Glu)

Gene: TRIM8 (tripartite motif containing 8; plus strand). Cytogenetic location: 10q24.32.
Variant type: single nucleotide variant.
Coding change: c.670A>G on transcript NM_030912.3 (MANE Select); coding-DNA position 670, A replaced by G.
Protein change: p.Lys224Glu; replaces lysine 224 with glutamic acid.
Molecular consequence: missense variant. On other transcripts: non-coding transcript variant (1).
Genome position (GRCh38, 1-based): chr10:102,655,083, A>G. VCF-style: chr10-102655083-A-G. GRCh37 (hg19) VCF-style: chr10-104414840-A-G.
Other names: c.574A>G, p.Lys192Glu (NM_001345950.1); short protein forms K192E, K224E.
Identifiers: ClinVar variation 3646106 (VCV003646106.2).
Genomic context (GRCh38, chr10:102,655,083, plus strand): 5'-AAACCAAAGGTTTCCAGTGCTTACCTGCCTGCCCACTCCTGCCCTCTGTACTCGCAGGAG[A>G]AAGTGAACCAACTGAAGGAGGAAGTTCGGCTGCAGTACGAGAAGCTGCACCAGCTGCTGG-3'
Protein context (NP_112174.2, residues 214-234): LESDKRLVEE[Lys224Glu]VNQLKEEVRL

ClinVar aggregate classification (germline): Uncertain significance (1 of 4 stars; one submission).

Submission:

Labcorp Genetics (formerly Invitae), Labcorp
Classification: Uncertain significance. Last evaluated: 2024-03-27. Review status: criteria provided, single submitter. Criteria: Invitae Variant Classification Sherloc (09022015). Collection method: clinical testing. Allele origin: germline.
Comment: This sequence change replaces lysine, which is basic and polar, with glutamic acid, which is acidic and polar, at codon 224 of the TRIM8 protein (p.Lys224Glu). This variant is not present in population databases (gnomAD no frequency). This variant has not been reported in the literature in individuals affected with TRIM8-related conditions. An algorithm developed to predict the effect of missense changes on protein structure and function (PolyPhen-2) suggests that this variant is likely to be tolerated. In summary, the available evidence is currently insufficient to determine the role of this variant in disease. Therefore, it has been classified as a Variant of Uncertain Significance.